The following is an entry in ClinVar:

NM_001142556.2(HMMR):c.726-3C>T

Gene: HMMR (hyaluronan mediated motility receptor; plus strand). Cytogenetic location: 5q34.
Variant type: single nucleotide variant.
Coding change: c.726-3C>T on transcript NM_001142556.2 (MANE Select); 3 bases into the intron before coding-DNA position 726, C replaced by T.
Molecular consequence: intron variant.
Genome position (GRCh38, 1-based): chr5:163,473,376, C>T. VCF-style: chr5-163473376-C-T. GRCh37 (hg19) VCF-style: chr5-162900382-C-T.
Other names: c.723-3C>T (NM_012484.3); c.678-3C>T (NM_012485.3); c.465-3C>T (NM_001142557.2).
Identifiers: ClinVar variation 4056752 (VCV004056752.1).

ClinVar aggregate classification (germline): Uncertain significance (1 of 4 stars; one submission).

Conditions:
Familial cancer of breast. Also called: BREAST CANCER, FAMILIAL; Hereditary breast cancer; hereditary breast carcinoma. Identifiers: Orphanet 227535, MedGen C0346153, MONDO:0016419, OMIM 114480. Disease mechanism: loss of function.

Submission:

Laboratorio de Genetica e Diagnostico Molecular, Hospital Israelita Albert Einstein
Classification: Uncertain significance for Familial cancer of breast. Last evaluated: 2024-03-28. Review status: criteria provided, single submitter. Criteria: ACMG Guidelines, 2015. Collection method: clinical testing. Allele origin: germline. Affected: yes.
Comment: ACMG classification criteria: PM2 supporting, BP4 supporting